The following is an entry in ClinVar:

ClinVar aggregate classification (germline): Uncertain significance. Review status: criteria provided, multiple submitters, no conflicts (2 of 4 stars). 2 submissions from 2 submitters: Uncertain significance (2). Last evaluated 2025-09-01.

Conditions:
Hereditary cancer-predisposing syndrome. Also called: Hereditary Cancer Syndrome; Tumor predisposition; Neoplastic Syndromes, Hereditary; Hereditary neoplastic syndrome. Identifiers: Orphanet 140162, MedGen C0027672, MeSH D009386, MONDO:0015356.
Hereditary pheochromocytoma and paraganglioma. Also called: Hereditary pheochromocytoma-paraganglioma; Hereditary paragangliomas and pheochromocytomas; Hereditary Paraganglioma-Pheochromocytoma Syndromes. Identifiers: Orphanet 29072, MedGen C4274332, MONDO:0017366.

gnomAD v4.1: 2 of 1,614,084 alleles (0.00012%); highest among the groups gnomAD compares: African/African-American, 0.0013%; no homozygotes.

Submissions (2):

Ambry Genetics
Classification: Uncertain significance for Hereditary cancer-predisposing syndrome. Last evaluated: 2025-09-01. Review status: criteria provided, single submitter. Criteria: Ambry Variant Classification Scheme 2023. Collection method: clinical testing. Allele origin: germline.
Comment: The p.A98P variant (also known as c.292G>C), located in coding exon 2 of the TMEM127 gene, results from a G to C substitution at nucleotide position 292. The alanine at codon 98 is replaced by proline, an amino acid with highly similar properties. This amino acid position is well conserved in available vertebrate species. In addition, the in silico prediction for this alteration is inconclusive. Since supporting evidence is limited at this time, the clinical significance of this alteration remains unclear.

Labcorp Genetics (formerly Invitae), Labcorp
Classification: Uncertain significance for Hereditary pheochromocytoma and paraganglioma. Last evaluated: 2024-12-17. Review status: criteria provided, single submitter. Criteria: Invitae Variant Classification Sherloc (09022015). Collection method: clinical testing. Allele origin: germline.
Comment: This sequence change replaces alanine, which is neutral and non-polar, with proline, which is neutral and non-polar, at codon 98 of the TMEM127 protein (p.Ala98Pro). This variant is present in population databases (no rsID available, gnomAD 0.0009%). This variant has not been reported in the literature in individuals affected with TMEM127-related conditions. ClinVar contains an entry for this variant (Variation ID: 845318). An algorithm developed to predict the effect of missense changes on protein structure and function (PolyPhen-2) suggests that this variant is likely to be disruptive. In summary, the available evidence is currently insufficient to determine the role of this variant in disease. Therefore, it has been classified as a Variant of Uncertain Significance.

NM_017849.4(TMEM127):c.292G>C (p.Ala98Pro)

Gene: TMEM127 (transmembrane protein 127; minus strand). Cytogenetic location: 2q11.2.
Variant type: single nucleotide variant.
Coding change: c.292G>C on transcript NM_017849.4 (MANE Select); coding-DNA position 292, G replaced by C.
Protein change: p.Ala98Pro; replaces alanine 98 with proline.
Molecular consequence: missense variant.
Genome position (GRCh38, 1-based): chr2:96,254,950, C>G on the plus strand (G>C on the coding strand, the complement: TMEM127 is on the minus strand). VCF-style: chr2-96254950-C-G. GRCh37 (hg19) VCF-style: chr2-96920688-C-G.
Other names: c.292G>C, p.Ala98Pro (NM_001193304.3); short protein forms A98P.
Identifiers: ClinVar variation 845318 (VCV000845318.13), dbSNP rs369144563, ClinGen allele CA347653555.
Genomic context (GRCh38, chr2:96,254,950, plus strand): 5'-GCCCAAAGACATCCAGAAGGAAAGCGGAGAGACTACACAGGATGCCCAGGAAACAGAAGG[C>G]GGCGATGACCCGCAGGAGCAGCACTGTCTGGGGATTCATGCAGAAATCTGTAGAGGGAGA-3'
Protein context (NP_060319.1, residues 88-108): QTVLLLRVIA[Ala98Pro]FCFLGILCSL